The following is an entry in ClinVar:

ClinVar aggregate classification (germline): Likely benign (0 of 4 stars; one submission).

Conditions:
AGAP2-related disorder. Also called: AGAP2-related condition.

Allele frequency attached by ClinVar (database versions not stated): gnomAD exomes 0.00008; ExAC 0.00026; 1000 Genomes Project 0.00080; gnomAD 0.00081; TOPMed 0.00090; 1000 Genomes Project 30x 0.00094.

Submission:

PreventionGenetics, part of Exact Sciences
Classification: Likely benign for AGAP2-related condition. Last evaluated: 2019-04-16. Review status: no assertion criteria provided. Collection method: clinical testing. Allele origin: germline.
Comment: This variant is classified as likely benign based on ACMG/AMP sequence variant interpretation guidelines (Richards et al. 2015 PMID: 25741868, with internal and published modifications).

NM_001122772.3(AGAP2):c.978G>C (p.Pro326=)

Gene: AGAP2 (ArfGAP with GTPase domain, ankyrin repeat and PH domain 2; minus strand). Cytogenetic location: 12q14.1.
Variant type: single nucleotide variant.
Coding change: c.978G>C on transcript NM_001122772.3 (MANE Select); coding-DNA position 978, G replaced by C.
Protein change: p.Pro326=; no amino-acid change (proline 326 retained).
Molecular consequence: synonymous variant. On other transcripts: intron variant (1).
Genome position (GRCh38, 1-based): chr12:57,737,269, C>G on the plus strand (G>C on the coding strand, the complement: AGAP2 is on the minus strand). VCF-style: chr12-57737269-C-G. GRCh37 (hg19) VCF-style: chr12-58131052-C-G.
Other names: c.161-1842G>C (NM_014770.4).
Identifiers: ClinVar variation 3044506 (VCV003044506.2), dbSNP rs542194963, ClinGen allele CA6657223.
Genomic context (GRCh38, chr12:57,737,269, plus strand): 5'-CTTGAGCATCTTGCGGTCACGAGTGGATGCTCGGCCCCCCTCCCGGCCCCGTTTCAGCCC[C>G]GGAGCTGGAGGCTCCAGAGTGATTGGAGGTGCAGGCCCGGGGGGCTGCGCGGAAGCAGCG-3'
Protein context (NP_001116244.1, residues 316-336): APPITLEPPA[Pro326=]GLKRGREGGR